The following is an entry in ClinVar:

NM_014639.4(SKIC3):c.3956A>G (p.Asn1319Ser)

Gene: SKIC3 (SKI3 subunit of superkiller complex; minus strand). Cytogenetic location: 5q15.
Variant type: single nucleotide variant.
Coding change: c.3956A>G on transcript NM_014639.4 (MANE Select); coding-DNA position 3956, A replaced by G.
Protein change: p.Asn1319Ser; replaces asparagine 1319 with serine.
Molecular consequence: missense variant.
Genome position (GRCh38, 1-based): chr5:95,484,821, T>C on the plus strand (A>G on the coding strand, the complement: SKIC3 is on the minus strand). VCF-style: chr5-95484821-T-C. GRCh37 (hg19) VCF-style: chr5-94820525-T-C.
Other names: short protein forms N1319S.
Identifiers: ClinVar variation 1484660 (VCV001484660.5), dbSNP rs773841936, ClinGen allele CA3346534.

ClinVar aggregate classification (germline): Uncertain significance (1 of 4 stars; one submission).

Allele frequency attached by ClinVar (database versions not stated): gnomAD exomes 0.00001; ExAC 0.00001.
gnomAD v4.1: 3 of 1,614,116 alleles (0.00019%); highest among the groups gnomAD compares: East Asian, 0.0045%; no homozygotes.

Submission:

Labcorp Genetics (formerly Invitae), Labcorp
Classification: Uncertain significance. Last evaluated: 2022-06-20. Review status: criteria provided, single submitter. Criteria: Invitae Variant Classification Sherloc (09022015). Collection method: clinical testing. Allele origin: germline.
Comment: This sequence change replaces asparagine, which is neutral and polar, with serine, which is neutral and polar, at codon 1319 of the TTC37 protein (p.Asn1319Ser). This variant is present in population databases (rs773841936, gnomAD 0.006%). This variant has not been reported in the literature in individuals affected with TTC37-related conditions. Algorithms developed to predict the effect of missense changes on protein structure and function output the following: SIFT: "Tolerated"; PolyPhen-2: "Benign"; Align-GVGD: "Class C0". The serine amino acid residue is found in multiple mammalian species, which suggests that this missense change does not adversely affect protein function. Algorithms developed to predict the effect of sequence changes on RNA splicing suggest that this variant may create or strengthen a splice site. In summary, the available evidence is currently insufficient to determine the role of this variant in disease. Therefore, it has been classified as a Variant of Uncertain Significance.